The following is an entry in ClinVar:

NM_001080432.3(FTO):c.1239+6T>C

Gene: FTO (FTO alpha-ketoglutarate dependent dioxygenase; plus strand). Cytogenetic location: 16q12.2.
Variant type: single nucleotide variant.
Coding change: c.1239+6T>C on transcript NM_001080432.3 (MANE Select); 6 bases into the intron after coding-DNA position 1239, T replaced by C.
Molecular consequence: intron variant.
Genome position (GRCh38, 1-based): chr16:53,888,957, T>C. VCF-style: chr16-53888957-T-C. GRCh37 (hg19) VCF-style: chr16-53922869-T-C.
Other names: c.726+6T>C (NM_001363905.2); c.1269+6T>C (NM_001363891.2); c.1125+6T>C (NM_001363898.2, NM_001363899.2); c.1239+6T>C (NM_001363894.2, NM_001363988.2, NM_001363896.2 and 4 more transcripts); c.1095+6T>C (NM_001363900.2, NM_001363901.2); c.1161+6T>C (NM_001363897.2).
Identifiers: ClinVar variation 2293780 (VCV002293780.3), dbSNP rs2545526923, ClinGen allele CA2580091617.

ClinVar aggregate classification (germline): Uncertain significance. Review status: criteria provided, multiple submitters, no conflicts (2 of 4 stars). 2 submissions from 2 submitters: Uncertain significance (2). Last evaluated 2022-06-27.

Conditions:
Inborn genetic diseases. Identifiers: MedGen C0950123, MeSH D030342.

Submissions (2):

Ambry Genetics
Classification: Uncertain significance for Inborn genetic diseases. Last evaluated: 2022-06-27. Review status: criteria provided, single submitter. Criteria: Ambry Variant Classification Scheme 2023. Collection method: clinical testing. Allele origin: germline.
Comment: The c.1239+6T>C intronic alteration consists of a T to C substitution nucleotides after coding exon 7 in the FTO gene. Based on insufficient or conflicting evidence, the clinical significance of this alteration remains unclear.

Breakthrough Genomics
Classification: Uncertain significance. Review status: criteria provided, single submitter. Criteria: ACMG Guidelines, 2015. Collection method: not provided. Allele origin: germline. Inheritance: Autosomal recessive inheritance. Affected: yes.